The following is an entry in ClinVar:

NM_000169.3(GLA):c.319C>T (p.Gln107Ter)

Genes: GLA (galactosidase alpha; minus strand), RPL36A-HNRNPH2 (RPL36A-HNRNPH2 readthrough; plus strand). Cytogenetic location: Xq22.1.
Variant type: single nucleotide variant.
Coding change: c.319C>T on transcript NM_000169.3 (MANE Select); coding-DNA position 319, C replaced by T.
Protein change: p.Gln107Ter; replaces glutamine 107 with a stop codon.
Molecular consequence: nonsense. On other transcripts: non-coding transcript variant (3), intron variant (2).
Genome position (GRCh38, 1-based): chrX:101,403,861, G>A on the plus strand (C>T on the coding strand, the complement: GLA is on the minus strand). VCF-style: chrX-101403861-G-A. GRCh37 (hg19) VCF-style: chrX-100658849-G-A.
Other names: c.442C>T, p.Gln148Ter (NM_001406747.1, NM_001406749.1); c.319C>T, p.Gln107Ter (NM_001406748.1); c.301-8075G>A (NM_001199973.2); c.178-8075G>A (NM_001199974.2); short protein forms Q107*, Q148*.
Identifiers: ClinVar variation 4087154 (VCV004087154.2), dbSNP rs869312252.

ClinVar aggregate classification (germline): Pathogenic (1 of 4 stars; one submission).

Conditions:
Fabry disease. Also called: ALPHA-GALACTOSIDASE A DEFICIENCY; ANDERSON-FABRY DISEASE; CERAMIDE TRIHEXOSIDASE DEFICIENCY; GLA DEFICIENCY; HEREDITARY DYSTOPIC LIPIDOSIS; Angiokeratoma corporis diffusum. Identifiers: Orphanet 324, MedGen C0002986, MONDO:0010526, OMIM 301500, HP:0001071. Disease mechanism: Fabry disease is due to inactivating mutations in the X-linked GLA gene resulting in deficiency of the enzyme Alpha Galactosidase-A., loss of function.

Submission:

Genomenon, Inc
Classification: Pathogenic for Fabry disease. Last evaluated: 2026-09-08. Review status: criteria provided, single submitter. Criteria: Genomenon Sequence Variant Interpretation Standards - Updated. Collection method: curation. Allele origin: germline. Affected: yes.
Comment: GLA p.Gln107Ter (c.319C>T) is a nonsense variant that introduces a premature stop codon at amino acid position 107 and is predicted to result in a truncated or absent protein product. This variant has been observed in at least one proband with clinical features consistent with Fabry disease (PMID:29853467;25149322;8875188;16151903;34440358;20576773;29661900;23546814;23826564). The variant was found to segregate with disease in at least one affected family (PMID:23826564). Functional or patient cell studies have been reported (PMID:16151903). It is absent or not present at a significant frequency in gnomAD. In conclusion, we classify GLA p.Gln107Ter (c.319C>T) as a pathogenic variant.

Literature cited by the submitters: PubMed 29853467; PubMed 25149322; PubMed 8875188; PubMed 16151903; PubMed 34440358; PubMed 20576773; PubMed 29661900; PubMed 23546814; PubMed 23826564.